The following is an entry in ClinVar:

ClinVar aggregate classification (germline): Likely pathogenic (1 of 4 stars; one submission).

Conditions:
Aortic valve disease 1 (AOVD1). Identifiers: MedGen C3887892, MONDO:0024523, OMIM 109730.
Adams-Oliver syndrome 5 (AOS5). Identifiers: Orphanet 974, MedGen C4014970, MONDO:0014459, OMIM 616028.

Submission:

Clinical Genomics Laboratory, Washington University in St. Louis
Classification: Likely pathogenic for Aortic valve disease 1; Adams-Oliver syndrome 5. Last evaluated: 2023-11-21. Review status: criteria provided, single submitter. Criteria: ACMG Guidelines, 2015. Collection method: clinical testing. Allele origin: germline. Affected: yes.
Comment: The NOTCH1 c.5767C>T (p.Gln1923Ter) variant, to our knowledge, has not been reported in the medical literature and is absent from the general population (gnomAD v.2.1.1), indicating it is not a common variant. This variant causes a premature termination codon, which is predicted to lead to nonsense mediated decay. Additionally, other variants that introduce a premature termination codon in this region have been described in individuals with Adams-Oliver syndrome and are considered pathogenic (Southgate L et al., PMID: 25963545). Based on available information and the ACMG/AMP guidelines for variant interpretation (Richards S et al., PMID: 25741868), this variant is classified as likely pathogenic.

NM_017617.5(NOTCH1):c.5767C>T (p.Gln1923Ter)

Gene: NOTCH1 (notch receptor 1; minus strand). Cytogenetic location: 9q34.3.
Variant type: single nucleotide variant.
Coding change: c.5767C>T on transcript NM_017617.5 (MANE Select); coding-DNA position 5767, C replaced by T.
Protein change: p.Gln1923Ter; replaces glutamine 1923 with a stop codon.
Molecular consequence: nonsense.
Genome position (GRCh38, 1-based): chr9:136,500,719, G>A on the plus strand (C>T on the coding strand, the complement: NOTCH1 is on the minus strand). VCF-style: chr9-136500719-G-A. GRCh37 (hg19) VCF-style: chr9-139395171-G-A.
Other names: short protein forms Q1923*.
Identifiers: ClinVar variation 3602579 (VCV003602579.1).